The following is an entry in ClinVar:

ClinVar aggregate classification (germline): Uncertain significance. Review status: criteria provided, multiple submitters, no conflicts (2 of 4 stars). 2 submissions from 2 submitters: Uncertain significance (2). Last evaluated 2024-11-13.

Conditions:
Intellectual developmental disorder, autosomal dominant 45. Also called: MENTAL RETARDATION, AUTOSOMAL DOMINANT 45; Intellectual disability, autosomal dominant 45. Identifiers: MedGen C4539848, MONDO:0030910, OMIM 617600.

Submissions (2):

Women's Health and Genetics/Laboratory Corporation of America, LabCorp
Classification: Uncertain significance. Last evaluated: 2024-11-13. Review status: criteria provided, single submitter. Criteria: LabCorp Variant Classification Summary - May 2015. Collection method: clinical testing. Allele origin: germline.
Comment: Variant summary: CIC c.-11282C>T is located in the untranscribed region upstream of the CIC gene region. The frequency data for this variant in gnomAD is considered unreliable, as metrics indicate poor data quality at this position. To our knowledge, no occurrence of c.-11282C>T in individuals affected with Mental Retardation, Autosomal Dominant 45 and no experimental evidence demonstrating its impact on protein function have been reported. No submitters have cited clinical-significance assessments for this variant to ClinVar. Based on the evidence outlined above, the variant was classified as uncertain significance.

Laboratorio de Genetica e Diagnostico Molecular, Hospital Israelita Albert Einstein
Classification: Uncertain significance for Intellectual developmental disorder, autosomal dominant 45. Last evaluated: 2024-01-31. Review status: criteria provided, single submitter. Criteria: ACMG Guidelines, 2015. Collection method: clinical testing. Allele origin: germline. Affected: yes.
Comment: ACMG classification criteria: PM2 supporting

NM_001386298.1(CIC):c.1640C>T (p.Ala547Val)

Gene: CIC (capicua transcriptional repressor; plus strand). Cytogenetic location: 19q13.2.
Variant type: single nucleotide variant.
Coding change: c.1640C>T on transcript NM_001386298.1 (MANE Select); coding-DNA position 1640, C replaced by T.
Protein change: p.Ala547Val; replaces alanine 547 with valine.
Molecular consequence: missense variant. On other transcripts: genic upstream transcript variant (1).
Genome position (GRCh38, 1-based): chr19:42,273,423, C>T. VCF-style: chr19-42273423-C-T. GRCh37 (hg19) VCF-style: chr19-42777575-C-T.
Other names: c.1640C>T, p.Ala547Val (NM_001304815.2, NM_001379480.1, NM_001379482.1); c.-11282C>T (NM_015125.5); short protein forms A547V.
Identifiers: ClinVar variation 3629659 (VCV003629659.2).